The following is an entry in ClinVar:

ClinVar aggregate classification (germline): Uncertain significance (1 of 4 stars; one submission).

Submission:

Labcorp Genetics (formerly Invitae), Labcorp
Classification: Uncertain significance. Last evaluated: 2022-04-30. Review status: criteria provided, single submitter. Criteria: Invitae Variant Classification Sherloc (09022015). Collection method: clinical testing. Allele origin: germline.
Comment: In summary, the available evidence is currently insufficient to determine the role of this variant in disease. Therefore, it has been classified as a Variant of Uncertain Significance. This variant has not been reported in the literature in individuals affected with PTDSS1-related conditions. This variant is present in population databases (no rsID available, gnomAD 0.006%). This sequence change creates a premature translational stop signal (p.Trp272*) in the PTDSS1 gene. It is expected to result in an absent or disrupted protein product. However, the current clinical and genetic evidence is not sufficient to establish whether loss-of-function variants in PTDSS1 cause disease.

NM_014754.3(PTDSS1):c.816G>A (p.Trp272Ter)

Gene: PTDSS1 (phosphatidylserine synthase 1; plus strand). Cytogenetic location: 8q22.1.
Variant type: single nucleotide variant.
Coding change: c.816G>A on transcript NM_014754.3 (MANE Select); coding-DNA position 816, G replaced by A.
Protein change: p.Trp272Ter; replaces tryptophan 272 with a stop codon.
Molecular consequence: nonsense.
Genome position (GRCh38, 1-based): chr8:96,304,103, G>A. VCF-style: chr8-96304103-G-A. GRCh37 (hg19) VCF-style: chr8-97316331-G-A.
Other names: c.378G>A, p.Trp126Ter (NM_001290225.2); short protein forms W272*, W126*.
Identifiers: ClinVar variation 2132089 (VCV002132089.4), dbSNP rs1300025822, ClinGen allele CA371756890.